The following is an entry in ClinVar:

ClinVar aggregate classification (germline): Uncertain significance (1 of 4 stars; one submission).

Submission:

GeneDx
Classification: Uncertain significance. Last evaluated: 2023-01-03. Review status: criteria provided, single submitter. Criteria: GeneDx Variant Classification Process June 2021. Collection method: clinical testing. Allele origin: germline. Affected: yes.
Comment: Not observed at significant frequency in large population cohorts (gnomAD); In silico analysis supports that this missense variant does not alter protein structure/function; Has not been previously published as pathogenic or benign to our knowledge

NM_018684.4(ZC4H2):c.419C>A (p.Ala140Glu)

Gene: ZC4H2 (zinc finger C4H2-type containing; minus strand). Cytogenetic location: Xq11.2.
Variant type: single nucleotide variant.
Coding change: c.419C>A on transcript NM_018684.4 (MANE Select); coding-DNA position 419, C replaced by A.
Protein change: p.Ala140Glu; replaces alanine 140 with glutamic acid.
Molecular consequence: missense variant. On other transcripts: non-coding transcript variant (1), intron variant (1).
Genome position (GRCh38, 1-based): chrX:64,919,184, G>T on the plus strand (C>A on the coding strand, the complement: ZC4H2 is on the minus strand). VCF-style: chrX-64919184-G-T. GRCh37 (hg19) VCF-style: chrX-64139064-G-T.
Other names: c.350C>A, p.Ala117Glu (NM_001178032.3, NM_001243804.2); c.398+897C>A (NM_001178033.3); short protein forms A117E, A140E.
Identifiers: ClinVar variation 2507218 (VCV002507218.1), dbSNP rs1929070637, ClinGen allele CA413411613.
Genomic context (GRCh38, chrX:64,919,184, plus strand): 5'-GCGGCTGCAGCGGCCAGGGACTCAGGGATGGGGGGCTCCTGAGGTTCTGTCTGCCATTCT[G>T]CTTTCTGCTTCTCAAAGTAACTTTGGAGATGAGAGACACTGGCTAGATCATTCTGAAAGC-3'
Protein context (NP_061154.1, residues 130-150): LSLDYFEKQK[Ala140Glu]EWQTEPQEPP